The following is an entry in ClinVar:

NM_004415.4(DSP):c.3548C>T (p.Thr1183Ile)

Gene: DSP (desmoplakin; plus strand). Cytogenetic location: 6p24.3.
Variant type: single nucleotide variant.
Coding change: c.3548C>T on transcript NM_004415.4 (MANE Select); coding-DNA position 3548, C replaced by T.
Protein change: p.Thr1183Ile; replaces threonine 1183 with isoleucine.
Molecular consequence: missense variant.
Genome position (GRCh38, 1-based): chr6:7,579,738, C>T. VCF-style: chr6-7579738-C-T. GRCh37 (hg19) VCF-style: chr6-7579971-C-T.
Other names: c.3548C>T, p.Thr1183Ile (NM_001008844.3, NM_001319034.2); short protein forms T1183I.
Identifiers: ClinVar variation 2567539 (VCV002567539.7), dbSNP rs1163260466, ClinGen allele CA362684315.

ClinVar aggregate classification (germline): Uncertain significance. Review status: criteria provided, multiple submitters, no conflicts (2 of 4 stars). 4 submissions from 4 submitters: Uncertain significance (4). Last evaluated 2025-07-28.

Conditions:
Cardiovascular phenotype. Identifiers: MedGen CN230736.
Cardiomyopathy (CMYO). Also called: Cardiomyopathies. Identifiers: Orphanet 167848, MedGen C0878544, MONDO:0004994, HP:0001638. Inheritance: Various modes of inheritance.
Arrhythmogenic cardiomyopathy with wooly hair and keratoderma. Also called: Dilated cardiomyopathy with woolly hair and keratoderma; PALMOPLANTAR KERATODERMA WITH LEFT VENTRICULAR CARDIOMYOPATHY AND WOOLLY HAIR; Arrhythmogenic cardiomyopathy with woolly hair and keratoderma; Carvajal syndrome. Identifiers: Orphanet 65282, MedGen C1854063, MONDO:0011581, OMIM 605676.
Arrhythmogenic right ventricular dysplasia 8 (ARVD8). Also called: Arrhythmogenic Right Ventricular Dysplasia/Cardiomyopathy 8; ARRHYTHMOGENIC RIGHT VENTRICULAR DYSPLASIA, FAMILIAL, 8; ARRHYTHMOGENIC RIGHT VENTRICULAR CARDIOMYOPATHY 8. Identifiers: MedGen C1843896, MONDO:0011831, OMIM 607450.

Allele frequency attached by ClinVar (database versions not stated): TOPMed below 0.00001.

Submissions (4):

Labcorp Genetics (formerly Invitae), Labcorp
Classification: Uncertain significance for Arrhythmogenic cardiomyopathy with wooly hair and keratoderma; Arrhythmogenic right ventricular dysplasia 8. Last evaluated: 2025-07-28. Review status: criteria provided, single submitter. Criteria: Invitae Variant Classification Sherloc (09022015). Collection method: clinical testing. Allele origin: germline.
Comment: This sequence change replaces threonine, which is neutral and polar, with isoleucine, which is neutral and non-polar, at codon 1183 of the DSP protein (p.Thr1183Ile). The frequency data for this variant in the population databases is considered unreliable, as metrics indicate poor data quality at this position in the gnomAD database. This variant has not been reported in the literature in individuals affected with DSP-related conditions. ClinVar contains an entry for this variant (Variation ID: 2567539). An algorithm developed to predict the effect of missense changes on protein structure and function (PolyPhen-2) suggests that this variant is likely to be tolerated. In summary, the available evidence is currently insufficient to determine the role of this variant in disease. Therefore, it has been classified as a Variant of Uncertain Significance.

All of Us Research Program, National Institutes of Health
Classification: Uncertain significance for Arrhythmogenic cardiomyopathy with wooly hair and keratoderma. Last evaluated: 2023-11-02. Review status: criteria provided, single submitter. Criteria: ACMG Guidelines, 2015. Collection method: clinical testing. Allele origin: germline. Inheritance: Autosomal dominant inheritance. Observed: 1 variant allele, 1 heterozygote.
Comment: This missense variant replaces threonine with isoleucine at codon 1183 of the DSP protein. Computational prediction suggests that this variant may not impact protein structure and function (internally defined REVEL score threshold <= 0.5, PMID: 27666373). To our knowledge, functional studies have not been reported for this variant. This variant has not been reported in individuals affected with DSP-related disorders in the literature. This variant has not been identified in the general population by the Genome Aggregation Database (gnomAD). The available evidence is insufficient to determine the role of this variant in disease conclusively. Therefore, this variant is classified as a Variant of Uncertain Significance.

This study involves interpretation of variants in research participants for the purpose of population health screening. Participant phenotype was not available at the time of variant classification. Additional details can be found in publication PMID: 35346344, PMCID: PMC8962531

Color Diagnostics, LLC DBA Color Health
Classification: Uncertain significance for Cardiomyopathy. Last evaluated: 2023-10-18. Review status: criteria provided, single submitter. Criteria: ACMG Guidelines, 2015. Collection method: clinical testing. Allele origin: germline.
Comment: This missense variant replaces threonine with isoleucine at codon 1183 of the DSP protein. Computational prediction suggests that this variant may not impact protein structure and function. To our knowledge, functional studies have not been reported for this variant. This variant has not been reported in individuals affected with DSP-related disorders in the literature. This variant has not been identified in the general population by the Genome Aggregation Database (gnomAD). The available evidence is insufficient to determine the role of this variant in disease conclusively. Therefore, this variant is classified as a Variant of Uncertain Significance.

Ambry Genetics
Classification: Uncertain significance for Cardiovascular phenotype. Last evaluated: 2023-06-09. Review status: criteria provided, single submitter. Criteria: Ambry Variant Classification Scheme 2023. Collection method: clinical testing. Allele origin: germline.
Comment: The p.T1183I variant (also known as c.3548C>T), located in coding exon 23 of the DSP gene, results from a C to T substitution at nucleotide position 3548. The threonine at codon 1183 is replaced by isoleucine, an amino acid with similar properties. This amino acid position is conserved. In addition, this alteration is predicted to be tolerated by in silico analysis. Since supporting evidence is limited at this time, the clinical significance of this alteration remains unclear.